The following is an entry in ClinVar:

ClinVar aggregate classification (germline): Uncertain significance. Review status: criteria provided, multiple submitters, no conflicts (2 of 4 stars). 2 submissions from 2 submitters: Uncertain significance (2). Last evaluated 2023-11-12.

Allele frequency attached by ClinVar (database versions not stated): TOPMed below 0.00001; gnomAD 0.00001.
gnomAD v4.1: 29 of 1,613,098 alleles (0.0018%); highest among the groups gnomAD compares: African/African-American, 0.0027%; no homozygotes.

Submissions (2):

Labcorp Genetics (formerly Invitae), Labcorp
Classification: Uncertain significance. Last evaluated: 2023-11-12. Review status: criteria provided, single submitter. Criteria: Invitae Variant Classification Sherloc (09022015). Collection method: clinical testing. Allele origin: germline.
Comment: This sequence change replaces proline, which is neutral and non-polar, with leucine, which is neutral and non-polar, at codon 167 of the OPA1 protein (p.Pro167Leu). This variant is present in population databases (no rsID available, gnomAD 0.002%). This missense change has been observed in individual(s) with OPA1-related conditions (PMID: 12036970). Advanced modeling of protein sequence and biophysical properties (such as structural, functional, and spatial information, amino acid conservation, physicochemical variation, residue mobility, and thermodynamic stability) performed at Invitae indicates that this missense variant is not expected to disrupt OPA1 protein function with a negative predictive value of 95%. In summary, the available evidence is currently insufficient to determine the role of this variant in disease. Therefore, it has been classified as a Variant of Uncertain Significance.

Blueprint Genetics
Classification: Uncertain significance. Last evaluated: 2018-12-11. Review status: criteria provided, single submitter. Criteria: ACMG Guidelines, 2015. Collection method: clinical testing. Allele origin: germline.

Literature cited by the submitters: PubMed 12036970 (cited by Labcorp Genetics (formerly Invitae), Labcorp).

NM_130837.3(OPA1):c.500C>T (p.Pro167Leu)

Gene: OPA1 (OPA1 mitochondrial dynamin like GTPase; plus strand). Cytogenetic location: 3q29.
Variant type: single nucleotide variant.
Coding change: c.500C>T on transcript NM_130837.3 (MANE Select); coding-DNA position 500, C replaced by T.
Protein change: p.Pro167Leu; replaces proline 167 with leucine.
Molecular consequence: missense variant. On other transcripts: intron variant (5).
Genome position (GRCh38, 1-based): chr3:193,617,229, C>T. VCF-style: chr3-193617229-C-T. GRCh37 (hg19) VCF-style: chr3-193335018-C-T.
Other names: c.128C>T, p.Pro43Leu (NM_001354664.2); c.500C>T, p.Pro167Leu (NM_015560.3, NM_130834.3, NM_130836.3); c.76+1459C>T (NM_001354663.2); c.449-555C>T (NM_130835.3, NM_130832.3); c.448+1459C>T (NM_130833.3, NM_130831.3); short protein forms P167L, P43L.
Identifiers: ClinVar variation 2804035 (VCV002804035.4), dbSNP rs754177232, ClinGen allele CA355787652.